The following is an entry in ClinVar:

ClinVar aggregate classification (germline): Uncertain significance (1 of 4 stars; one submission).

Conditions:
Charcot-Marie-Tooth disease type 2. Also called: Charcot-Marie-Tooth type 2. Identifiers: Orphanet 64746, MedGen C0270914, MONDO:0018993.

Submission:

Labcorp Genetics (formerly Invitae), Labcorp
Classification: Uncertain significance for Charcot-Marie-Tooth disease type 2. Last evaluated: 2022-02-18. Review status: criteria provided, single submitter. Criteria: Invitae Variant Classification Sherloc (09022015). Collection method: clinical testing. Allele origin: germline.
Comment: This variant is present in population databases (no rsID available, gnomAD 0.02%). This sequence change creates a premature translational stop signal (p.Ala601Profs*120) in the MED25 gene. While this is not anticipated to result in nonsense mediated decay, it is expected to disrupt the last 147 amino acid(s) of the MED25 protein. This variant has not been reported in the literature in individuals affected with MED25-related conditions. In summary, the available evidence is currently insufficient to determine the role of this variant in disease. Therefore, it has been classified as a Variant of Uncertain Significance.

NM_030973.4(MED25):c.1801del (p.Ala601fs)

Gene: MED25 (mediator complex subunit 25; plus strand). Cytogenetic location: 19q13.33.
Variant type: Deletion.
Coding change: c.1801del on transcript NM_030973.4 (MANE Select); coding-DNA position 1801, one base deleted (G; older notation c.1801delG).
Protein change: p.Ala601fs; shifts the reading frame from alanine 601.
Molecular consequence: frameshift variant.
Genome position (GRCh38, 1-based): chr19:49,835,781, G deleted; the last of 4 consecutive G bases (chr19:49,835,778-49,835,781); deleting any one gives the same sequence. VCF-style (leftmost placement, unchanged base first): chr19-49835777-TG-T. GRCh37 (hg19) VCF-style: chr19-50339034-TG-T.
Other names: c.1801del, p.Ala601fs (NM_001378355.1); short protein forms A601fs.
Identifiers: ClinVar variation 1969930 (VCV001969930.5), dbSNP rs1482351227, ClinGen allele CA633894854.